The following is an entry in ClinVar:

ClinVar aggregate classification (germline): Pathogenic. Review status: criteria provided, multiple submitters, no conflicts (2 of 4 stars). 2 submissions from 2 submitters: Pathogenic (2). Last evaluated 2021-03-14.

Conditions:
Early-infantile DEE. Also called: Ohtahara syndrome; Early infantile epileptic encephalopathy; Early infantile epileptic encephalopathy with suppression bursts. Identifiers: Orphanet 1934, MedGen C0393706, MONDO:0800491.

Submissions (2):

Labcorp Genetics (formerly Invitae), Labcorp
Classification: Pathogenic for Early-infantile DEE. Last evaluated: 2021-03-14. Review status: criteria provided, single submitter. Criteria: Invitae Variant Classification Sherloc (09022015). Collection method: clinical testing. Allele origin: germline.
Comment: For these reasons, this variant has been classified as Pathogenic. This sequence change creates a premature translational stop signal (p.Asn1758Ilefs*35) in the SCN1A gene. While this is not anticipated to result in nonsense mediated decay, it is expected to disrupt the last 252 amino acid(s) of the SCN1A protein. This variant is not present in population databases (ExAC no frequency). This variant has been observed in individual(s) with epilepsy and/or neurodevelopmental disorder (PMID: 29655203). ClinVar contains an entry for this variant (Variation ID: 206923). This variant disrupts the C-terminus of the SCN1A protein. Other variant(s) that disrupt this region (p.Ala1919Leufs*13) have been determined to be pathogenic (Invitae). This suggests that variants that disrupt this region of the protein are likely to be causative of disease.

GeneDx
Classification: Pathogenic. Last evaluated: 2015-01-05. Review status: criteria provided, single submitter. Criteria: GeneDx Variant Classification (06012015). Collection method: clinical testing. Allele origin: germline. Affected: yes.
Comment: c.5273_5277delACCCA: p.Asn1758IlefsX35 (N1758IfsX35) in exon 26 of the SCN1A gene (NM_001165963.1). The normal sequence with the bases that are deleted in braces is: GGGA{ACCCA}TCTG. The c.5273_5277delACCCA mutation in the SCN1A gene causes a frameshift starting with codon Asparagine 1758, changes this amino acid to an Isoleucine residue and creates a premature Stop codon at position 35 of the new reading frame, denoted p.Asn1758IlefsX35. This mutation is predicted to cause loss of normal protein function through protein truncation. Although this mutation has not been previously reported to our knowledge, other truncating mutations in the SCN1A gene have been reported in association with SCN1A-related disorders in an external mutation database. Therefore, the presence of c.5273_5277delACCCA is consistent with a diagnosis of an SCN1A-related disorder. The variant is found in INFANTV2-EPIV2-1 panel(s).

Literature cited by the submitters: PubMed 29655203 (cited by Labcorp Genetics (formerly Invitae), Labcorp).

NM_001165963.4(SCN1A):c.5273_5277del (p.Asn1758fs)

Genes: SCN1A (sodium voltage-gated channel alpha subunit 1; minus strand), LOC102724058 (uncharacterized LOC102724058; plus strand). Cytogenetic location: 2q24.3.
Variant type: Deletion.
Coding change: c.5273_5277del on transcript NM_001165963.4 (MANE Select); coding-DNA positions 5273 to 5277, 5 bases deleted (ACCCA; older notation c.5273_5277delACCCA).
Protein change: p.Asn1758fs; shifts the reading frame from asparagine 1758.
Molecular consequence: frameshift variant. On other transcripts: non-coding transcript variant (1).
Genome position (GRCh38, 1-based): chr2:165,991,998-165,992,002, TGGGT deleted on the plus strand (ACCCA on the coding strand, the reverse complement: SCN1A is on the minus strand); deleting any 5 consecutive bases within chr2:165,991,998-165,992,003 gives the same sequence; the c. name uses the placement nearest the transcript's 3' end. VCF-style (leftmost placement, unchanged base first): chr2-165991997-ATGGGT-A. GRCh37 (hg19) VCF-style: chr2-166848507-ATGGGT-A.
Other names: c.5189_5193del, p.Asn1730fs (NM_001165964.3, NM_001353957.2, NM_001353958.2); c.5273_5277del, p.Asn1758fs (NM_001202435.3, NM_001353948.2); c.5240_5244del, p.Asn1747fs (NM_001353949.2, NM_001353950.2, NM_001353951.2 and 2 more transcripts); c.5237_5241del, p.Asn1746fs (NM_001353954.2, NM_001353955.2); c.5186_5190del, p.Asn1729fs (NM_001353960.2); c.2831_2835del, p.Asn944fs (NM_001353961.2); short protein forms N1729fs, N1747fs, N1758fs, N944fs, N1730fs, N1746fs.
Identifiers: ClinVar variation 206923 (VCV000206923.9), dbSNP rs796053085, ClinGen allele CA317741.